The following is an entry in ClinVar:

ClinVar aggregate classification (germline): Conflicting classifications of pathogenicity. Review status: criteria provided, conflicting classifications (1 of 4 stars). 6 submissions from 6 submitters: Uncertain significance (4); Likely benign (1). 1 of the submissions does not count toward it. Last evaluated 2025-12-30.

Conditions:
Von Hippel-Lindau syndrome (VHLS). Also called: Von Hippel-Lindau; VHL syndrome; von Hippel–Lindau syndrome. Identifiers: Orphanet 892, MedGen C0019562, MONDO:0008667, OMIM 193300. Disease mechanism: loss of function.
Chuvash polycythemia. Also called: POLYCYTHEMIA, VHL-DEPENDENT. Identifiers: Orphanet 238557, MedGen C1837915, MONDO:0009892, OMIM 263400.
Hereditary cancer-predisposing syndrome. Also called: Hereditary neoplastic syndrome; Neoplastic Syndromes, Hereditary; Tumor predisposition; Hereditary Cancer Syndrome. Identifiers: Orphanet 140162, MedGen C0027672, MeSH D009386, MONDO:0015356.
Pheochromocytoma. Also called: MAX-Related Hereditary Paraganglioma-Pheochromocytoma Syndrome. Identifiers: Orphanet 29072, MedGen C0031511, MONDO:0008233, OMIM 171300, HP:0002666.
Nonpapillary renal cell carcinoma. Identifiers: Orphanet 422526, MedGen CN074294, MONDO:0007763, OMIM 144700.

Allele frequency attached by ClinVar (database versions not stated): TOPMed below 0.00001; gnomAD 0.00001; gnomAD exomes 0.00001.

Submissions (6):

Labcorp Genetics (formerly Invitae), Labcorp
Classification: Uncertain significance for Von Hippel-Lindau syndrome; Chuvash polycythemia. Last evaluated: 2025-12-30. Review status: criteria provided, single submitter. Criteria: Invitae Variant Classification Sherloc (09022015). Collection method: clinical testing. Allele origin: germline.
Comment: This sequence change replaces asparagine, which is neutral and polar, with lysine, which is basic and polar, at codon 7 of the VHL protein (p.Asn7Lys). The frequency data for this variant in the population databases is considered unreliable, as metrics indicate poor data quality at this position in the gnomAD database. This variant has not been reported in the literature in individuals affected with VHL-related conditions. ClinVar contains an entry for this variant (Variation ID: 411973). Invitae Evidence Modeling of protein sequence and biophysical properties (such as structural, functional, and spatial information, amino acid conservation, physicochemical variation, residue mobility, and thermodynamic stability) indicates that this missense variant is not expected to disrupt VHL protein function with a negative predictive value of 95%. In summary, the available evidence is currently insufficient to determine the role of this variant in disease. Therefore, it has been classified as a Variant of Uncertain Significance.

Fulgent Genetics
Classification: Uncertain significance for Nonpapillary renal cell carcinoma; Pheochromocytoma; Von Hippel-Lindau syndrome; Chuvash polycythemia. Last evaluated: 2024-05-23. Review status: criteria provided, single submitter. Criteria: ACMG Guidelines, 2015. Collection method: clinical testing. Allele origin: germline.

Color Diagnostics, LLC DBA Color Health
Classification: Uncertain significance for Von Hippel-Lindau syndrome. Last evaluated: 2023-11-28. Review status: criteria provided, single submitter. Criteria: ACMG Guidelines, 2015. Collection method: clinical testing. Allele origin: germline.
Comment: This missense variant replaces asparagine with lysine at codon 7 of the VHL protein. Computational prediction suggests that this variant may not impact protein structure and function. To our knowledge, functional studies have not been reported for this variant. This variant has not been reported in individuals affected with VHL-related disorders in the literature. This variant has been identified in 1/141378 chromosomes in the general population by the Genome Aggregation Database (gnomAD). The available evidence is insufficient to determine the role of this variant in disease conclusively. Therefore, this variant is classified as a Variant of Uncertain Significance.

Ambry Genetics
Classification: Likely benign for Hereditary cancer-predisposing syndrome. Last evaluated: 2023-11-14. Review status: criteria provided, single submitter. Criteria: Ambry Variant Classification Scheme 2023. Collection method: clinical testing. Allele origin: germline.

GeneDx
Classification: Uncertain significance. Last evaluated: 2023-07-26. Review status: criteria provided, single submitter. Criteria: GeneDx Variant Classification Process June 2021. Collection method: clinical testing. Allele origin: germline. Affected: yes.
Comment: Not observed at significant frequency in large population cohorts (gnomAD); In silico analysis supports that this missense variant does not alter protein structure/function; Identified in an individual with clinical features of VHL who had a second pathogenic VHL variant, but phase could not be determined (Peri et al., 2016); This variant is associated with the following publications: (PMID: 27682873)

Department of Pathology and Laboratory Medicine, Sinai Health System
Classification: Uncertain significance. Review status: no assertion criteria provided. Collection method: clinical testing. Allele origin: unknown. Affected: yes. Study: The Canadian Open Genetics Repository (COGR). Not counted in ClinVar's aggregate classification.
Comment: The VHL p.N7K variant was identified in 1 of 12 proband chromosomes (frequency: 0.0833) from individuals with von Hippel-Lindau disease and was not identified in 12 control chromosomes from healthy individuals (Peri_2017_ PMID: 27682873). The variant was identified in dbSNP (ID: rs1060503561) and ClinVar (classified as uncertain significance by Ambry Genetics and Invitae). The variant was identified in control databases in 1 of 137860 chromosomes at a frequency of 0.000007254 (Genome Aggregation Database March 6, 2019, v2.1.1, non-cancer). The variant was observed in the European (non-Finnish) population in 1 of 49770 chromosomes (freq: 0.00002), but was not observed in the African, Latino, Ashkenazi Jewish, East Asian, European (Finnish), Other, or South Asian populations. The p.N7 residue is not conserved in mammals and computational analyses (PolyPhen-2, SIFT, AlignGVGD, BLOSUM, MutationTaster) do not suggest a high likelihood of impact to the protein; however, this information is not predictive enough to rule out pathogenicity. The variant occurs outside of the splicing consensus sequence and in silico or computational prediction software programs (SpliceSiteFinder, MaxEntScan, NNSPLICE, GeneSplicer) do not predict a difference in splicing. In summary, based on the above information the clinical significance of this variant cannot be determined with certainty at this time. This variant is classified as a variant of uncertain significance.

Literature cited by the submitters: PubMed 27682873 (cited by Ambry Genetics).

NM_000551.4(VHL):c.21C>A (p.Asn7Lys)

Gene: VHL (von Hippel-Lindau tumor suppressor; plus strand). Cytogenetic location: 3p25.3.
Variant type: single nucleotide variant.
Coding change: c.21C>A on transcript NM_000551.4 (MANE Select); coding-DNA position 21, C replaced by A.
Protein change: p.Asn7Lys; replaces asparagine 7 with lysine.
Molecular consequence: missense variant.
Genome position (GRCh38, 1-based): chr3:10,141,868, C>A. VCF-style: chr3-10141868-C-A. GRCh37 (hg19) VCF-style: chr3-10183552-C-A.
Other names: c.21C>A, p.Asn7Lys (NM_001354723.2, NM_198156.3); short protein forms N7K.
Identifiers: ClinVar variation 411973 (VCV000411973.20), dbSNP rs1060503561, ClinGen allele CA16611156.